The following is an entry in ClinVar:

NM_004369.4(COL6A3):c.7687G>C (p.Gly2563Arg)

Gene: COL6A3 (collagen type VI alpha 3 chain; minus strand). Cytogenetic location: 2q37.3.
Variant type: single nucleotide variant.
Coding change: c.7687G>C on transcript NM_004369.4 (MANE Select); coding-DNA position 7687, G replaced by C.
Protein change: p.Gly2563Arg; replaces glycine 2563 with arginine.
Molecular consequence: missense variant.
Genome position (GRCh38, 1-based): chr2:237,342,143, C>G on the plus strand (G>C on the coding strand, the complement: COL6A3 is on the minus strand). VCF-style: chr2-237342143-C-G. GRCh37 (hg19) VCF-style: chr2-238250786-C-G.
Other names: c.5866G>C, p.Gly1956Arg (NM_057166.5); c.7069G>C, p.Gly2357Arg (NM_057167.4); c.7687G>C (NM_004369.3); short protein forms G2563R, G1956R, G2357R.
Identifiers: ClinVar variation 283984 (VCV000283984.14), dbSNP rs780964113, ClinGen allele CA2187727.

ClinVar aggregate classification (germline): Uncertain significance. Review status: criteria provided, multiple submitters, no conflicts (2 of 4 stars). 3 submissions from 3 submitters: Uncertain significance (3). Last evaluated 2026-01-02.

Conditions:
COL6A3-related disorder. Also called: COL6A3-related condition; COL6A3-related disorders.
Bethlem myopathy 1A. Also called: MYOPATHY, BENIGN CONGENITAL, WITH CONTRACTURES; Bethlem myopathy 1; Bethlem Muscular Dystrophy. Identifiers: Orphanet 610, MedGen CN029274, MONDO:0024530, OMIM 158810.

Allele frequency attached by ClinVar (database versions not stated): gnomAD exomes below 0.00001 and 0.00006; ExAC 0.00001; gnomAD 0.00003; TOPMed 0.00005.
gnomAD v4.1: 100 of 1,614,006 alleles (0.0062%); highest among the groups gnomAD compares: Non-Finnish European, 0.0081%; no homozygotes.

Submissions (3):

Labcorp Genetics (formerly Invitae), Labcorp
Classification: Uncertain significance for Bethlem myopathy 1A. Last evaluated: 2026-01-02. Review status: criteria provided, single submitter. Criteria: Invitae Variant Classification Sherloc (09022015). Collection method: clinical testing. Allele origin: germline.
Comment: This sequence change replaces glycine, which is neutral and non-polar, with arginine, which is basic and polar, at codon 2563 of the COL6A3 protein (p.Gly2563Arg). This variant is present in population databases (rs780964113, gnomAD 0.002%). This variant has not been reported in the literature in individuals affected with COL6A3-related conditions. ClinVar contains an entry for this variant (Variation ID: 283984). Invitae Evidence Modeling of protein sequence and biophysical properties (such as structural, functional, and spatial information, amino acid conservation, physicochemical variation, residue mobility, and thermodynamic stability) has been performed for this missense variant. However, the output from this modeling did not meet the statistical confidence thresholds required to predict the impact of this variant on COL6A3 protein function. In summary, the available evidence is currently insufficient to determine the role of this variant in disease. Therefore, it has been classified as a Variant of Uncertain Significance.

PreventionGenetics, part of Exact Sciences
Classification: Uncertain significance for COL6A3-related condition. Last evaluated: 2025-03-12. Review status: criteria provided, single submitter. Criteria: ACMG Guidelines, 2015. Collection method: clinical testing. Allele origin: germline.
Comment: The COL6A3 c.7687G>C variant is predicted to result in the amino acid substitution p.Gly2563Arg. To our knowledge, this variant has not been reported in the literature. This variant is reported in 0.0015% of alleles in individuals of European (Non-Finnish) descent in gnomAD. At this time, the clinical significance of this variant is uncertain due to the absence of conclusive functional and genetic evidence.

Eurofins Ntd Llc (ga)
Classification: Uncertain significance. Last evaluated: 2017-05-23. Review status: criteria provided, single submitter. Criteria: EGL Classification Definitions 2015. Collection method: clinical testing. Allele origin: germline. Observed: 2 variant alleles, 2 heterozygotes.